The following is an entry in ClinVar:

NM_000535.7(PMS2):c.1240G>C (p.Asp414His)

Gene: PMS2 (PMS1 homolog 2, mismatch repair system component; minus strand). Cytogenetic location: 7p22.1.
Variant type: single nucleotide variant.
Coding change: c.1240G>C on transcript NM_000535.7 (MANE Select); coding-DNA position 1240, G replaced by C.
Protein change: p.Asp414His; replaces aspartic acid 414 with histidine.
Molecular consequence: missense variant. On other transcripts: non-coding transcript variant (1).
Genome position (GRCh38, 1-based): chr7:5,987,525, C>G on the plus strand (G>C on the coding strand, the complement: PMS2 is on the minus strand). VCF-style: chr7-5987525-C-G. GRCh37 (hg19) VCF-style: chr7-6027156-C-G.
Other names: c.835G>C, p.Asp279His (NM_001322003.2, NM_001322004.2, NM_001322005.2 and 1 more transcripts); c.1084G>C, p.Asp362His (NM_001322006.2); c.922G>C, p.Asp308His (NM_001322007.2, NM_001322008.2); c.679G>C, p.Asp227His (NM_001322010.2); c.307G>C, p.Asp103His (NM_001322011.2, NM_001322012.2); c.667G>C, p.Asp223His (NM_001322013.2); c.1240G>C, p.Asp414His (NM_001322014.2); c.931G>C, p.Asp311His (NM_001322015.2); short protein forms D311H, D223H, D414H, D227H, D279H, D308H, D362H, D103H.
Identifiers: ClinVar variation 1513305 (VCV001513305.9), dbSNP rs370752614, ClinGen allele CA366742498.

ClinVar aggregate classification (germline): Conflicting classifications of pathogenicity. Review status: criteria provided, conflicting classifications (1 of 4 stars). 2 submissions from 2 submitters: Uncertain significance (1); Likely benign (1). Last evaluated 2025-09-08.

Conditions:
Hereditary nonpolyposis colorectal neoplasms. Identifiers: MedGen C0009405, MeSH D003123.
Hereditary cancer-predisposing syndrome. Also called: Tumor predisposition; Neoplastic Syndromes, Hereditary; Hereditary neoplastic syndrome; Hereditary Cancer Syndrome. Identifiers: Orphanet 140162, MedGen C0027672, MeSH D009386, MONDO:0015356.

Submissions (2):

Ambry Genetics
Classification: Likely benign for Hereditary cancer-predisposing syndrome. Last evaluated: 2025-09-08. Review status: criteria provided, single submitter. Criteria: Ambry Variant Classification Scheme 2023. Collection method: clinical testing. Allele origin: germline.

Labcorp Genetics (formerly Invitae), Labcorp
Classification: Uncertain significance for Hereditary nonpolyposis colorectal neoplasms. Last evaluated: 2021-12-11. Review status: criteria provided, single submitter. Criteria: Invitae Variant Classification Sherloc (09022015). Collection method: clinical testing. Allele origin: germline.
Comment: In summary, the available evidence is currently insufficient to determine the role of this variant in disease. Therefore, it has been classified as a Variant of Uncertain Significance. Advanced modeling of protein sequence and biophysical properties (such as structural, functional, and spatial information, amino acid conservation, physicochemical variation, residue mobility, and thermodynamic stability) performed at Invitae indicates that this missense variant is not expected to disrupt PMS2 protein function. This variant has not been reported in the literature in individuals affected with PMS2-related conditions. This variant is not present in population databases (gnomAD no frequency). This sequence change replaces aspartic acid, which is acidic and polar, with histidine, which is basic and polar, at codon 414 of the PMS2 protein (p.Asp414His).